The following is an entry in ClinVar:

ClinVar aggregate classification (germline): Pathogenic (1 of 4 stars; one submission).

Submission:

Labcorp Genetics (formerly Invitae), Labcorp
Classification: Pathogenic. Last evaluated: 2019-07-22. Review status: criteria provided, single submitter. Criteria: Invitae Variant Classification Sherloc (09022015). Collection method: clinical testing. Allele origin: germline.
Comment: For these reasons, this variant has been classified as Pathogenic. Loss-of-function variants in PHEX are known to be pathogenic (PMID: 9097956, 9106524, 19219621). This variant has not been reported in the literature in individuals with PHEX-related conditions. This variant is not present in population databases (ExAC no frequency). This sequence change creates a premature translational stop signal (p.Arg380Lysfs*6) in the PHEX gene. It is expected to result in an absent or disrupted protein product.

Literature cited by the submitters: PubMed 9097956; PubMed 9106524; PubMed 19219621.

NM_000444.6(PHEX):c.1138dup (p.Arg380fs)

Gene: PHEX (phosphate regulating endopeptidase X-linked; plus strand). Cytogenetic location: Xp22.11.
Variant type: Duplication.
Coding change: c.1138dup on transcript NM_000444.6 (MANE Select); coding-DNA position 1138, one base duplicated (A; older notation c.1138dupA).
Protein change: p.Arg380fs; shifts the reading frame from arginine 380.
Molecular consequence: frameshift variant.
Genome position (GRCh38, 1-based): chrX:22,111,525, A duplicated. VCF-style (leftmost placement, unchanged base first): chrX-22111524-C-CA. GRCh37 (hg19) VCF-style: chrX-22129642-C-CA.
Other names: c.1138dup, p.Arg380fs (NM_001282754.2); short protein forms R380fs.
Identifiers: ClinVar variation 963723 (VCV000963723.7), dbSNP rs1930967080, ClinGen allele CA1139667292.